The following is an entry in ClinVar:

NM_004415.4(DSP):c.5379+2T>A

Gene: DSP (desmoplakin; plus strand). Cytogenetic location: 6p24.3.
Variant type: single nucleotide variant.
Coding change: c.5379+2T>A on transcript NM_004415.4 (MANE Select); the canonical splice donor site of the intron after coding-DNA position 5379, T replaced by A.
Molecular consequence: splice donor variant. On other transcripts: intron variant (2).
Genome position (GRCh38, 1-based): chr6:7,581,571, T>A. VCF-style: chr6-7581571-T-A. GRCh37 (hg19) VCF-style: chr6-7581804-T-A.
Other names: c.4051-1071T>A (NM_001319034.2); c.3583-1071T>A (NM_001008844.3).
Identifiers: ClinVar variation 4758207 (VCV004758207.1).

ClinVar aggregate classification (germline): Uncertain significance (1 of 4 stars; one submission).

Conditions:
Cardiomyopathy (CMYO). Also called: Cardiomyopathies. Identifiers: Orphanet 167848, MedGen C0878544, MONDO:0004994, HP:0001638. Inheritance: Various modes of inheritance.

Submission:

Color Diagnostics, LLC DBA Color Health
Classification: Uncertain significance for Cardiomyopathy. Last evaluated: 2025-10-28. Review status: criteria provided, single submitter. Criteria: ACMG Guidelines, 2015. Collection method: clinical testing. Allele origin: germline.
Comment: This variant causes a T to A nucleotide substitution at +2 position in intron 23 in the DSP gene. To our knowledge, functional studies have not been reported for this variant. This variant has not been reported in individuals affected with DSP-related disorders in the literature. This variant has not been identified in the general population by the Genome Aggregation Database (gnomAD). The available evidence is insufficient to determine the role of this variant in disease conclusively. Therefore, this variant is classified as a Variant of Uncertain Significance.